The following is an entry in ClinVar:

ClinVar aggregate classification (germline): Likely benign (1 of 4 stars; one submission).

Allele frequency attached by ClinVar (database versions not stated): 1000 Genomes Project 0.00040; 1000 Genomes Project 30x 0.00109; gnomAD 0.00140; ExAC 0.00158; ESP Exome Variant Server 0.00235; gnomAD exomes 0.00252.
gnomAD v4.1: 3,909 of 1,611,252 alleles (0.24%); highest among the groups gnomAD compares: Non-Finnish European, 0.31%; 4 homozygotes.

Submission:

CeGaT Center for Human Genetics Tuebingen
Classification: Likely benign. Last evaluated: 2022-08-01. Review status: criteria provided, single submitter. Criteria: CeGaT Center For Human Genetics Tuebingen Variant Classification Criteria Version 2. Collection method: clinical testing. Allele origin: germline. Affected: yes. Observed: 1 variant allele.
Comment: PDPR: BP4, BP7

NM_017990.5(PDPR):c.1086A>T (p.Thr362=)

Gene: PDPR (pyruvate dehydrogenase phosphatase regulatory subunit; plus strand). Cytogenetic location: 16q22.1.
Variant type: single nucleotide variant.
Coding change: c.1086A>T on transcript NM_017990.5 (MANE Select); coding-DNA position 1086, A replaced by T.
Protein change: p.Thr362=; no amino-acid change (threonine 362 retained).
Molecular consequence: synonymous variant. On other transcripts: 5 prime UTR variant (1).
Genome position (GRCh38, 1-based): chr16:70,136,282, A>T. VCF-style: chr16-70136282-A-T. GRCh37 (hg19) VCF-style: chr16-70170185-A-T.
Other names: c.1086A>T, p.Thr362= (NM_001322117.1); c.786A>T, p.Thr262= (NM_001322118.1); c.-219A>T (NM_001322119.1).
Identifiers: ClinVar variation 2646675 (VCV002646675.24), dbSNP rs150049130, ClinGen allele CA8139137.